The following is an entry in ClinVar:

NM_006767.4(LZTR1):c.229A>T (p.Lys77Ter)

Gene: LZTR1 (leucine zipper like post translational regulator 1; plus strand). Cytogenetic location: 22q11.21.
Variant type: single nucleotide variant.
Coding change: c.229A>T on transcript NM_006767.4 (MANE Select); coding-DNA position 229, A replaced by T.
Protein change: p.Lys77Ter; replaces lysine 77 with a stop codon.
Molecular consequence: nonsense.
Genome position (GRCh38, 1-based): chr22:20,983,055, A>T. VCF-style: chr22-20983055-A-T. GRCh37 (hg19) VCF-style: chr22-21337344-A-T.
Other names: short protein forms K77*.
Identifiers: ClinVar variation 4538513 (VCV004538513.1).

ClinVar aggregate classification (germline): Pathogenic (1 of 4 stars; one submission).

Conditions:
Pigmentary skin disorders.

Submission:

Genetics Laboratory, Great Ormond Street Hospital NHS Foundation Trust, North Thames Genomic Laboratory Hub
Classification: Pathogenic for Pigmentary skin disorders. Last evaluated: 2025-10-20. Review status: criteria provided, single submitter. Criteria: ACGS Best Practice Guidelines for Variant Classification in Rare Disease 2024 v1.2. Collection method: clinical testing. Allele origin: germline. Affected: yes.
Comment: PM2_moderate, PVS1_very-strong